The following is an entry in ClinVar:

ClinVar aggregate classification (germline): Uncertain significance (1 of 4 stars; one submission).

Submission:

Labcorp Genetics (formerly Invitae), Labcorp
Classification: Uncertain significance. Last evaluated: 2026-01-22. Review status: criteria provided, single submitter. Criteria: Invitae Variant Classification Sherloc (09022015). Collection method: clinical testing. Allele origin: germline.
Comment: This sequence change falls in intron 8 of the TNNT3 gene. It does not directly change the encoded amino acid sequence of the TNNT3 protein. This variant is present in population databases (no rsID available, gnomAD 0.004%). This variant has not been reported in the literature in individuals affected with TNNT3-related conditions. Experimental studies and prediction algorithms are not available or were not evaluated, and the effect of this variant on mRNA splicing is currently unknown. In summary, the available evidence is currently insufficient to determine the role of this variant in disease. Therefore, it has been classified as a Variant of Uncertain Significance.

NM_006757.4(TNNT3):c.125+26_125+84dup

Gene: TNNT3 (troponin T3, fast skeletal type; plus strand). Cytogenetic location: 11p15.5.
Variant type: Duplication.
Coding change: c.125+26_125+84dup on transcript NM_006757.4 (MANE Select); bases 26 to 84 of the intron after coding-DNA position 125, 59 bases duplicated.
Molecular consequence: splice donor variant.
Genome position (GRCh38, 1-based): chr11:1,929,854-1,929,912, 59 bases duplicated. GRCh37 (hg19): chr11:1,951,084-1,951,142.
Other names: c.113+26_113+84dup (NM_001367849.1); c.-80+26_-80+84dup (NM_001367852.1, NM_001367851.1); c.101+26_101+84dup (NM_001367845.1, NM_001367844.1, NM_001297646.2 and 2 more transcripts); c.68+26_68+84dup (NM_001367850.1); c.134+26_134+84dup (NM_001367847.1, NM_001363561.2); c.119+26_119+84dup (NM_001367843.1, NM_001367842.1, NM_001042781.3); c.158+26_158+84dup (NM_001367846.1); c.122+26_122+84dup (NM_001367848.1).
Identifiers: ClinVar variation 3640419 (VCV003640419.2).